The following is an entry in ClinVar:

NM_006017.3(PROM1):c.1946C>T (p.Ser649Leu)

Gene: PROM1 (prominin 1; minus strand). Cytogenetic location: 4p15.32.
Variant type: single nucleotide variant.
Coding change: c.1946C>T on transcript NM_006017.3 (MANE Select); coding-DNA position 1946, C replaced by T.
Protein change: p.Ser649Leu; replaces serine 649 with leucine.
Molecular consequence: missense variant.
Genome position (GRCh38, 1-based): chr4:15,991,259, G>A on the plus strand (C>T on the coding strand, the complement: PROM1 is on the minus strand). VCF-style: chr4-15991259-G-A. GRCh37 (hg19) VCF-style: chr4-15992882-G-A.
Other names: c.1919C>T, p.Ser640Leu (NM_001145847.2, NM_001145848.2, NM_001145851.2 and 4 more transcripts); c.1946C>T, p.Ser649Leu (NM_001145849.2, NM_001145850.2); short protein forms S649L, S640L.
Identifiers: ClinVar variation 425331 (VCV000425331.61), dbSNP rs761911901, ClinGen allele CA2866577.
Genomic context (GRCh38, chr4:15,991,259, plus strand): 5'-TTAACCGGACGATTTGAACTCACCAAACTGTTTGCTTTTGCTTCTAGATCATATGCAAAT[G>A]ATAAAAGATTCACTCCTGCGGGGGATTTACCAGTCTACAATAGAAGTGAAAAAAATTGTC-3'
Protein context (NP_006008.1, residues 639-659): GKSPAGVNLL[Ser649Leu]FAYDLEAKAN

ClinVar aggregate classification (germline): Conflicting classifications of pathogenicity. Review status: criteria provided, conflicting classifications (1 of 4 stars). 13 submissions from 13 submitters: Pathogenic (1); Likely pathogenic (1); Uncertain significance (10); Likely benign (1). Last evaluated 2026-02-03.

Conditions:
Retinal dystrophy. Also called: Inherited retinal dystrophy. Identifiers: Orphanet 71862, MedGen C0854723, MeSH D058499, MONDO:0019118, HP:0000556.
PROM1-related disorder. Also called: PROM1-related condition; PROM1-related disorders.
Cone-rod dystrophy. Also called: Cone-rod degeneration; Cone/cone-rod dystrophy. Identifiers: Orphanet 1872, MedGen C4085590, MONDO:0015993, HP:0000548.
Retinitis pigmentosa 41 (RP41). Also called: RETINAL DEGENERATION, AUTOSOMAL RECESSIVE, PROMININ-RELATED. Identifiers: Orphanet 791, MedGen C2677516, MONDO:0012796, OMIM 612095.
Retinal macular dystrophy type 2 (MCDR2). Also called: Bull's eye macular dystrophy. Identifiers: Orphanet 319640, MedGen C4749334, MONDO:0011957, OMIM 608051.
Stargardt disease 4 (STGD4). Identifiers: Orphanet 827, MedGen C1863534, MONDO:0011370, OMIM 603786.
Cone-rod dystrophy 12 (CORD12). Identifiers: Orphanet 1872, MedGen C2675210, MONDO:0012983, OMIM 612657.

Allele frequency attached by ClinVar (database versions not stated): gnomAD exomes 0.00002 and 0.00003; ExAC 0.00005.
gnomAD v4.1: 28 of 1,606,680 alleles (0.0017%); highest among the groups gnomAD compares: South Asian, 0.028%; 1 homozygote.

Submissions (13):

PreventionGenetics, part of Exact Sciences
Classification: Uncertain significance for PROM1-related condition. Last evaluated: 2026-02-03. Review status: criteria provided, single submitter. Criteria: ACMG Guidelines, 2015. Collection method: clinical testing. Allele origin: germline.
Comment: The PROM1 c.1946C>T variant is predicted to result in the amino acid substitution p.Ser649Leu. This variant has been reported in individuals with retinal disease (Table S2, Weisschuh et al. 2020. PubMed ID: 32531858; Table S1, Yohe et al. 2019. PubMed ID: 31816670; Table S1, Gopinath et al. 2023. PubMed ID: 36648511; Table S1, Lin et al. 2024. PubMed ID: 38219857). However, this variant is often reported along with the PROM1 c.1632G>T (p.=) variant. This variant is present in 0.024% of alleles in individuals of South Asian descent in gnomAD, and the variant co-occurrence calculation indicates this variant is a part of the same haplotype as c.1632G>T (p.=). At this time, the clinical significance of this variant is uncertain due to the absence of conclusive functional and genetic evidence.

3billion
Classification: Uncertain significance for Retinitis pigmentosa 41. Last evaluated: 2025-07-21. Review status: criteria provided, single submitter. Criteria: ACMG Guidelines, 2015. Collection method: clinical testing. Allele origin: germline. Affected: yes.
Comment: The variant is observed at an extremely low frequency in the gnomAD v4.1.0 dataset (total allele frequency: 0.002%). Predicted Consequence/Location: Missense variant. The majority of the known disease-causing variants of this gene are variants expected to result in premature termination of the protein. Damaging effect on gene or gene product predicted by in silico programs is uncertain [REVEL: 0.06 (damaging >=0.6, benign <0.4), 3Cnet: 0.67 (damaging >0.75, benign <0.1)]. The same nucleotide change resulting in the same amino acid change has been previously reported as(ClinVar ID: VCV000425331, PMID:32531858). However, the evidence of pathogenicity is insufficient at this time. Therefore, this variant is classified as VUS according to the recommendation of ACMG/AMP guideline.

Revvity Omics, Revvity
Classification: Uncertain significance. Last evaluated: 2025-07-15. Review status: criteria provided, single submitter. Criteria: ACMG Guidelines, 2015. Collection method: clinical testing. Allele origin: germline.

Labcorp Genetics (formerly Invitae), Labcorp
Classification: Uncertain significance. Last evaluated: 2025-02-09. Review status: criteria provided, single submitter. Criteria: Invitae Variant Classification Sherloc (09022015). Collection method: clinical testing. Allele origin: germline.
Comment: This sequence change replaces serine, which is neutral and polar, with leucine, which is neutral and non-polar, at codon 649 of the PROM1 protein (p.Ser649Leu). This variant is present in population databases (rs761911901, gnomAD 0.02%). This missense change has been observed in individuals with cone-rod dystrophy and/or retinitis pigmentosa (PMID: 28418496, 32531858, 36648511). It has also been observed to segregate with disease in related individuals. ClinVar contains an entry for this variant (Variation ID: 425331). Invitae Evidence Modeling of protein sequence and biophysical properties (such as structural, functional, and spatial information, amino acid conservation, physicochemical variation, residue mobility, and thermodynamic stability) indicates that this missense variant is not expected to disrupt PROM1 protein function with a negative predictive value of 80%. In summary, the available evidence is currently insufficient to determine the role of this variant in disease. Therefore, it has been classified as a Variant of Uncertain Significance.

Blueprint Genetics
Classification: Likely benign. Last evaluated: 2024-07-23. Review status: criteria provided, single submitter. Criteria: ACMG Guidelines, 2015. Collection method: clinical testing. Allele origin: germline.

Institute of Medical Genetics and Genomics, Sir Ganga Ram Hospital
Classification: Likely pathogenic for Cone-rod dystrophy 12. Last evaluated: 2023-06-22. Review status: criteria provided, single submitter. Criteria: ACMG Guidelines, 2015. Collection method: clinical testing. Allele origin: inherited. Inheritance: Autosomal recessive inheritance. Affected: yes. Observed: 1 compound heterozygote.

GeneDx
Classification: Uncertain significance. Last evaluated: 2022-02-07. Review status: criteria provided, single submitter. Criteria: GeneDx Variant Classification Process June 2021. Collection method: clinical testing. Allele origin: germline. Affected: yes.
Comment: In silico analysis supports that this missense variant has a deleterious effect on protein structure/function; This variant is associated with the following publications: (PMID: 20554613, Duignan2015[abstract], 28418496)

Cambridge Genomics Laboratory, East Genomic Laboratory Hub, NHS Genomic Medicine Service
Classification: Uncertain significance for Cone-rod dystrophy. Last evaluated: 2020-02-15. Review status: criteria provided, single submitter. Criteria: ACGS Best Practice Guidelines for Variant Classification in Rare Disease 2020. Collection method: clinical testing. Allele origin: germline. Affected: yes. Observed: 1 variant allele.

Molecular Genetics Laboratory, Institute for Ophthalmic Research
Classification: Pathogenic for Cone-rod dystrophy. Last evaluated: 2020-01-09. Review status: criteria provided, single submitter. Criteria: ACMG Guidelines, 2015. Collection method: research. Allele origin: germline. Affected: yes.

Institute of Human Genetics, Univ. Regensburg, Univ. Regensburg
Classification: Uncertain significance for Retinal dystrophy. Last evaluated: 2019-01-01. Review status: criteria provided, single submitter. Criteria: ACMG Guidelines, 2015. Collection method: clinical testing. Allele origin: germline. Affected: yes.

Fulgent Genetics
Classification: Uncertain significance for Stargardt disease 4; Retinal macular dystrophy type 2; Retinitis pigmentosa 41; Cone-rod dystrophy 12. Last evaluated: 2018-10-31. Review status: criteria provided, single submitter. Criteria: ACMG Guidelines, 2015. Collection method: clinical testing. Allele origin: unknown.

CeGaT Center for Human Genetics Tuebingen
Classification: Uncertain significance. Last evaluated: 2016-10-01. Review status: criteria provided, single submitter. Criteria: CeGaT Center For Human Genetics Tuebingen Variant Classification Criteria Version 2. Collection method: clinical testing. Allele origin: germline. Affected: yes. Observed: 1 variant allele.

Neuberg Centre For Genomic Medicine, NCGM
Classification: Uncertain significance for Retinitis pigmentosa 41. Review status: criteria provided, single submitter. Criteria: ACMG Guidelines, 2015. Collection method: clinical testing. Allele origin: germline. Inheritance: Autosomal recessive inheritance. Affected: yes.
Comment: The c.1946C>T (p.Ser649Leu) missense variant in PROM1 gene has been submitted to ClinVar with varying interpretations: Pathogenic/Variant of Uncertain Significance (VUS). It has been reported in individuals affected with cone-rod dystrophy (Littink et al, 2010). The p.Ser649Leu variant is reported with the allele frequency (0.002%) in the gnomAD Exomes and is novel (not in any individuals) in 1000 Genomes. The amino acid Ser at position 649 is changed to a Leu changing protein sequence and it might alter its composition and physico-chemical properties. In silico tools predict the variant to be tolerated. The residue is conserved across species. The amino acid change p.Ser649Leu in PROM1 is predicted as conserved by GERP++ and PhyloP across 100 vertebrates. For these reasons, this variant has been classified as Variant of Uncertain Significance (VUS).

Literature cited by the submitters: PubMed 28418496 (cited by Labcorp Genetics (formerly Invitae), Labcorp and Institute of Medical Genetics and Genomics, Sir Ganga Ram Hospital); PubMed 32531858 (cited by Labcorp Genetics (formerly Invitae), Labcorp and Institute of Human Genetics, Univ. Regensburg, Univ. Regensburg); PubMed 36648511 (cited by Labcorp Genetics (formerly Invitae), Labcorp); PubMed 3181667 (cited by Institute of Human Genetics, Univ. Regensburg, Univ. Regensburg).